The following is an entry in ClinVar:

NM_032119.4(ADGRV1):c.13758_13761del (p.Gly4587fs)

Gene: ADGRV1 (adhesion G protein-coupled receptor V1; plus strand). Cytogenetic location: 5q14.3.
Variant type: Deletion.
Coding change: c.13758_13761del on transcript NM_032119.4 (MANE Select); coding-DNA positions 13758 to 13761, 4 bases deleted (AGGA; older notation c.13758_13761delAGGA).
Protein change: p.Gly4587fs; shifts the reading frame from glycine 4587.
Molecular consequence: frameshift variant. On other transcripts: non-coding transcript variant (1).
Genome position (GRCh38, 1-based): chr5:90,788,175-90,788,178, AGGA deleted; deleting any 4 consecutive bases within chr5:90,788,173-90,788,178 gives the same sequence; the c. name uses the placement nearest the transcript's 3' end. VCF-style (leftmost placement, unchanged base first): chr5-90788172-AGAAG-A. GRCh37 (hg19) VCF-style: chr5-90083989-AGAAG-A.
Other names: short protein forms G4587fs.
Identifiers: ClinVar variation 2019761 (VCV002019761.4), dbSNP rs2531981299, ClinGen allele CA2580073778.

ClinVar aggregate classification (germline): Pathogenic (1 of 4 stars; one submission).

Submission:

Labcorp Genetics (formerly Invitae), Labcorp
Classification: Pathogenic. Last evaluated: 2022-07-26. Review status: criteria provided, single submitter. Criteria: Invitae Variant Classification Sherloc (09022015). Collection method: clinical testing. Allele origin: germline.
Comment: This sequence change creates a premature translational stop signal (p.Gly4587Glufs*2) in the ADGRV1 gene. It is expected to result in an absent or disrupted protein product. Loss-of-function variants in ADGRV1 are known to be pathogenic (PMID: 19357117, 22135276, 22147658, 26226137, 30718709, 31047384, 32467589). This variant is not present in population databases (gnomAD no frequency). This variant has not been reported in the literature in individuals affected with ADGRV1-related conditions. For these reasons, this variant has been classified as Pathogenic.

Literature cited by the submitters: PubMed 19357117; PubMed 22135276; PubMed 22147658; PubMed 26226137; PubMed 30718709; PubMed 31047384; PubMed 32467589.